The following is an entry in ClinVar:

NM_005359.6(SMAD4):c.541A>T (p.Thr181Ser)

Gene: SMAD4 (SMAD family member 4; plus strand). Cytogenetic location: 18q21.2.
Variant type: single nucleotide variant.
Coding change: c.541A>T on transcript NM_005359.6 (MANE Select); coding-DNA position 541, A replaced by T.
Protein change: p.Thr181Ser; replaces threonine 181 with serine.
Molecular consequence: missense variant.
Genome position (GRCh38, 1-based): chr18:51,054,867, A>T. VCF-style: chr18-51054867-A-T. GRCh37 (hg19) VCF-style: chr18-48581237-A-T.
Other names: short protein forms T181S.
Identifiers: ClinVar variation 1520426 (VCV001520426.8), dbSNP rs1599186888, ClinGen allele CA402460891.

ClinVar aggregate classification (germline): Uncertain significance (1 of 4 stars; one submission).

Conditions:
Juvenile polyposis syndrome (JPS). Identifiers: Orphanet 2929, MedGen C0345893, MONDO:0017380, OMIM 174900.

Submission:

Labcorp Genetics (formerly Invitae), Labcorp
Classification: Uncertain significance for Juvenile polyposis syndrome. Last evaluated: 2021-03-26. Review status: criteria provided, single submitter. Criteria: Invitae Variant Classification Sherloc (09022015). Collection method: clinical testing. Allele origin: germline.
Comment: In summary, the available evidence is currently insufficient to determine the role of this variant in disease. Therefore, it has been classified as a Variant of Uncertain Significance. Advanced modeling of protein sequence and biophysical properties (such as structural, functional, and spatial information, amino acid conservation, physicochemical variation, residue mobility, and thermodynamic stability) performed at Invitae indicates that this missense variant is not expected to disrupt SMAD4 protein function. This variant has not been reported in the literature in individuals with SMAD4-related conditions. This variant is not present in population databases (ExAC no frequency). This sequence change replaces threonine with serine at codon 181 of the SMAD4 protein (p.Thr181Ser). The threonine residue is highly conserved and there is a small physicochemical difference between threonine and serine.